The following is an entry in ClinVar:

ClinVar aggregate classification (germline): Likely benign (0 of 4 stars; one submission).

Conditions:
TEK-related disorder. Also called: TEK-related condition.

Allele frequency attached by ClinVar (database versions not stated): gnomAD exomes below 0.00001; ExAC 0.00001; gnomAD 0.00001.
gnomAD v4.1: 3 of 1,611,144 alleles (0.00019%); highest among the groups gnomAD compares: Non-Finnish European, 0.00025%; no homozygotes.

Submission:

PreventionGenetics, part of Exact Sciences
Classification: Likely benign for TEK-related condition. Last evaluated: 2019-08-14. Review status: no assertion criteria provided. Collection method: clinical testing. Allele origin: germline.
Comment: This variant is classified as likely benign based on ACMG/AMP sequence variant interpretation guidelines (Richards et al. 2015 PMID: 25741868, with internal and published modifications).

NM_000459.5(TEK):c.2878-8A>C

Gene: TEK (TEK receptor tyrosine kinase; plus strand). Cytogenetic location: 9p21.2.
Variant type: single nucleotide variant.
Coding change: c.2878-8A>C on transcript NM_000459.5 (MANE Select); 8 bases into the intron before coding-DNA position 2878, A replaced by C.
Molecular consequence: intron variant.
Genome position (GRCh38, 1-based): chr9:27,213,476, A>C. VCF-style: chr9-27213476-A-C. GRCh37 (hg19) VCF-style: chr9-27213474-A-C.
Other names: c.2749-8A>C (NM_001290077.2); c.2434-8A>C (NM_001290078.2); c.2875-8A>C (NM_001375475.1); c.2746-8A>C (NM_001375476.1).
Identifiers: ClinVar variation 3034777 (VCV003034777.2), dbSNP rs746722078, ClinGen allele CA5016629.